The following is an entry in ClinVar:

ClinVar aggregate classification (germline): Uncertain significance (1 of 4 stars; one submission).

Conditions:
Hereditary cancer-predisposing syndrome. Also called: Hereditary neoplastic syndrome; Neoplastic Syndromes, Hereditary; Tumor predisposition; Hereditary Cancer Syndrome. Identifiers: Orphanet 140162, MedGen C0027672, MeSH D009386, MONDO:0015356.

Submission:

Ambry Genetics
Classification: Uncertain significance for Hereditary cancer-predisposing syndrome. Last evaluated: 2025-09-12. Review status: criteria provided, single submitter. Criteria: Ambry Variant Classification Scheme 2023. Collection method: clinical testing. Allele origin: germline.
Comment: The p.K493Q variant (also known as c.1477A>C), located in coding exon 10 of the RAD50 gene, results from an A to C substitution at nucleotide position 1477. The lysine at codon 493 is replaced by glutamine, an amino acid with similar properties. This amino acid position is conserved. In addition, this alteration is predicted to be tolerated by in silico analysis. Based on the available evidence, the clinical significance of this variant remains unclear.

NM_005732.4(RAD50):c.1477A>C (p.Lys493Gln)

Gene: RAD50 (RAD50 double strand break repair protein; plus strand). Cytogenetic location: 5q31.1.
Variant type: single nucleotide variant.
Coding change: c.1477A>C on transcript NM_005732.4 (MANE Select); coding-DNA position 1477, A replaced by C.
Protein change: p.Lys493Gln; replaces lysine 493 with glutamine.
Molecular consequence: missense variant.
Genome position (GRCh38, 1-based): chr5:132,591,248, A>C. VCF-style: chr5-132591248-A-C. GRCh37 (hg19) VCF-style: chr5-131926940-A-C.
Other names: short protein forms K493Q.
Identifiers: ClinVar variation 4149748 (VCV004149748.1).